The following is an entry in ClinVar:

NM_003376.6(VEGFA):c.*237C>T

Gene: VEGFA (vascular endothelial growth factor A; plus strand). Cytogenetic location: 6p21.1.
Variant type: single nucleotide variant.
Coding change: c.*237C>T on transcript NM_003376.6 (MANE Select); 237 bases downstream of the stop codon, C replaced by T.
Molecular consequence: 3 prime UTR variant.
Genome position (GRCh38, 1-based): chr6:43,784,799, C>T. VCF-style: chr6-43784799-C-T. GRCh37 (hg19) VCF-style: chr6-43752536-C-T.
Other names: c.*237C>T (NM_001025366.3, NM_001025367.3, NM_001025368.3 and 11 more transcripts); c.*253C>T (NM_001025369.3, NM_001171627.2); c.*171C>T (NM_001033756.3, NM_001171629.2, NM_001317010.2).
Identifiers: ClinVar variation 2571392 (VCV002571392.2), dbSNP rs3025039, ClinGen allele CA12295177.

ClinVar aggregate classification (germline): other (0 of 4 stars; one submission).

Conditions:
Cholangiocarcinoma. Identifiers: Orphanet 70567, MedGen C0206698, MeSH D018281, MONDO:0019087, HP:0030153.

Allele frequency attached by ClinVar (database versions not stated): gnomAD 0.12957; 1000 Genomes Project 0.13359; 1000 Genomes Project 30x 0.13398; TOPMed 0.13446; gnomAD exomes 0.14676.
gnomAD v4.1: 100,110 of 701,944 alleles (14%); highest among the groups gnomAD compares: Admixed American, 24%; 7,913 homozygotes.

Submission:

Department of Surgery, Campus Charité Mitte | Campus Virchow-klinikum, Charite-Universitaetsmedizin Berlin
Classification: other for Cholangiocarcinoma. Last evaluated: 2022-12-10. Review status: no assertion criteria provided. Collection method: research. Allele origin: germline. Affected: yes.
Comment: No association with disease-free or overall survival after resection of intrahepatic Cholangiocarcinoma

Literature cited by the submitters: PubMed 18550579.